The following is an entry in ClinVar:

NM_014920.5(CILK1):c.1280G>A (p.Ser427Asn)

Gene: CILK1 (ciliogenesis associated kinase 1; minus strand). Cytogenetic location: 6p12.1.
Variant type: single nucleotide variant.
Coding change: c.1280G>A on transcript NM_014920.5 (MANE Select); coding-DNA position 1280, G replaced by A.
Protein change: p.Ser427Asn; replaces serine 427 with asparagine.
Molecular consequence: missense variant. On other transcripts: non-coding transcript variant (1).
Genome position (GRCh38, 1-based): chr6:53,012,100, C>T on the plus strand (G>A on the coding strand, the complement: CILK1 is on the minus strand). VCF-style: chr6-53012100-C-T. GRCh37 (hg19) VCF-style: chr6-52876898-C-T.
Other names: c.1280G>A (NM_016513.4); c.1301G>A, p.Ser434Asn (NM_001375397.1); c.1280G>A, p.Ser427Asn (NM_001375398.1, NM_001375399.1, NM_001375400.1 and 3 more transcripts); short protein forms S427N, S434N.
Identifiers: ClinVar variation 2164078 (VCV002164078.5), dbSNP rs368157719, ClinGen allele CA3858589.
Genomic context (GRCh38, chr6:53,012,100, plus strand): 5'-CAGAGAGTGTCATCACTCTGTCTTTTCTTGTTTTTCAGGTCAATCCTGCTGAGGGATGGA[C>T]TGAAATCCAAGTCATCCAAGTCAGCCCAATCATCTGAATCCTTTGTTGACCTGGAAATAA-3'
Protein context (NP_055735.1, residues 417-437): DWADLDDLDF[Ser427Asn]PSLSRIDLKN

ClinVar aggregate classification (germline): Conflicting classifications of pathogenicity. Review status: criteria provided, conflicting classifications (1 of 4 stars). 2 submissions from 2 submitters: Uncertain significance (1); Likely benign (1). Last evaluated 2024-06-10.

Allele frequency attached by ClinVar (database versions not stated): gnomAD exomes 0.00001; ExAC 0.00006; gnomAD 0.00013; ESP Exome Variant Server 0.00015; TOPMed 0.00015.
gnomAD v4.1: 37 of 1,614,074 alleles (0.0023%); highest among the groups gnomAD compares: African/African-American, 0.049%; no homozygotes.

Submissions (2):

Ambry Genetics
Classification: Likely benign. Last evaluated: 2024-06-10. Review status: criteria provided, single submitter. Criteria: Ambry Variant Classification Scheme 2023. Collection method: clinical testing. Allele origin: germline.

Labcorp Genetics (formerly Invitae), Labcorp
Classification: Uncertain significance. Last evaluated: 2022-11-22. Review status: criteria provided, single submitter. Criteria: Invitae Variant Classification Sherloc (09022015). Collection method: clinical testing. Allele origin: germline.
Comment: In summary, the available evidence is currently insufficient to determine the role of this variant in disease. Therefore, it has been classified as a Variant of Uncertain Significance. Algorithms developed to predict the effect of sequence changes on RNA splicing suggest that this variant may create or strengthen a splice site. Advanced modeling of protein sequence and biophysical properties (such as structural, functional, and spatial information, amino acid conservation, physicochemical variation, residue mobility, and thermodynamic stability) performed at Invitae indicates that this missense variant is not expected to disrupt ICK protein function. This variant has not been reported in the literature in individuals affected with ICK-related conditions. This variant is present in population databases (rs368157719, gnomAD 0.06%). This sequence change replaces serine, which is neutral and polar, with asparagine, which is neutral and polar, at codon 427 of the ICK protein (p.Ser427Asn).